The following is an entry in ClinVar:

NM_005902.4(SMAD3):c.1062G>A (p.Gln354=)

Gene: SMAD3 (SMAD family member 3; plus strand). Cytogenetic location: 15q22.33.
Variant type: single nucleotide variant.
Coding change: c.1062G>A on transcript NM_005902.4 (MANE Select); coding-DNA position 1062, G replaced by A.
Protein change: p.Gln354=; no amino-acid change (glutamine 354 retained).
Molecular consequence: synonymous variant.
Genome position (GRCh38, 1-based): chr15:67,187,417, G>A. VCF-style: chr15-67187417-G-A. GRCh37 (hg19) VCF-style: chr15-67479755-G-A.
Other names: c.747G>A, p.Gln249= (NM_001145102.2); c.930G>A, p.Gln310= (NM_001145103.2); c.477G>A, p.Gln159= (NM_001145104.2).
Identifiers: ClinVar variation 922214 (VCV000922214.3), dbSNP rs1567003470, ClinGen allele CA490917592.
Genomic context (GRCh38, chr15:67,187,417, plus strand): 5'-TTTGGCAGGATGCAACCTGAAGATCTTCAACAACCAGGAGTTCGCTGCCCTCCTGGCCCA[G>A]TCGGTCAACCAGGGCTTTGAGGCTGTCTACCAGTTGACCCGAATGTGCACCATCCGCATG-3'
Protein context (NP_005893.1, residues 344-364): NNQEFAALLA[Gln354=]SVNQGFEAVY

ClinVar aggregate classification (germline): Likely benign. Review status: criteria provided, multiple submitters, no conflicts (2 of 4 stars). 2 submissions from 2 submitters: Likely benign (2). Last evaluated 2023-09-17.

Conditions:
Familial thoracic aortic aneurysm and aortic dissection (TAAD). Also called: Thoracic aortic aneurysms and dissections. Identifiers: Orphanet 91387, MedGen C4707243, MONDO:0019625.
Aneurysm-osteoarthritis syndrome. Also called: LOEYS-DIETZ SYNDROME WITH OSTEOARTHRITIS; SMAD3-Related Loeys-Dietz Syndrome; Loeys-Dietz syndrome, type 1C; ANEURYSMS-OSTEOARTHRITIS SYNDROME. Identifiers: Orphanet 284984, MedGen C3151087, MONDO:0013426, OMIM 613795.

Allele frequency attached by ClinVar (database versions not stated): gnomAD exomes below 0.00001.
gnomAD v4.1: 2 of 1,614,202 alleles (0.00012%); highest among the groups gnomAD compares: East Asian, 0.0022%; no homozygotes.

Submissions (2):

All of Us Research Program, National Institutes of Health
Classification: Likely benign for Aneurysm-osteoarthritis syndrome. Last evaluated: 2023-09-17. Review status: criteria provided, single submitter. Criteria: ACMG Guidelines, 2015. Collection method: clinical testing. Allele origin: germline. Inheritance: Autosomal dominant inheritance. Observed: 1 variant allele, 1 heterozygote.
Comment: This study involves interpretation of variants in research participants for the purpose of population health screening. Participant phenotype was not available at the time of variant classification. Additional details can be found in publication PMID: 35346344, PMCID: PMC8962531

Color Diagnostics, LLC DBA Color Health
Classification: Likely benign for Familial thoracic aortic aneurysm and aortic dissection. Last evaluated: 2019-05-13. Review status: criteria provided, single submitter. Criteria: ACMG Guidelines, 2015. Collection method: clinical testing. Allele origin: germline.